The following is an entry in ClinVar:

NM_001163809.2(WDR81):c.4975A>G (p.Ser1659Gly)

Gene: WDR81 (WD repeat domain 81; plus strand). Cytogenetic location: 17p13.3.
Variant type: single nucleotide variant.
Coding change: c.4975A>G on transcript NM_001163809.2 (MANE Select); coding-DNA position 4975, A replaced by G.
Protein change: p.Ser1659Gly; replaces serine 1659 with glycine.
Molecular consequence: missense variant.
Genome position (GRCh38, 1-based): chr17:1,734,012, A>G. VCF-style: chr17-1734012-A-G. GRCh37 (hg19) VCF-style: chr17-1637306-A-G.
Other names: c.1366A>G, p.Ser456Gly (NM_001163673.2); c.1294A>G, p.Ser432Gly (NM_001163811.2); c.1822A>G, p.Ser608Gly (NM_152348.4); short protein forms S432G, S456G, S608G, S1659G.
Identifiers: ClinVar variation 2228723 (VCV002228723.2), dbSNP rs536836178, ClinGen allele CA8273722.
Genomic context (GRCh38, chr17:1,734,012, plus strand): 5'-ATCCGCCTGCAGAGCTTCCCGGGCCACTCGGGGGCCGTCAAGTGCGTGGCACCCCTAAGC[A>G]GCGAGGACTTCTTCCTGAGCGGCAGCAAGGATCGTACCGTGCGCCTCTGGCCGCTGTACA-3'
Protein context (NP_001157281.1, residues 1649-1669): GAVKCVAPLS[Ser1659Gly]EDFFLSGSKD

ClinVar aggregate classification (germline): Uncertain significance (1 of 4 stars; one submission).

Conditions:
Inborn genetic diseases. Identifiers: MedGen C0950123, MeSH D030342.

Allele frequency attached by ClinVar (database versions not stated): gnomAD exomes below 0.00001; ExAC 0.00002; TOPMed 0.00005; gnomAD 0.00007; 1000 Genomes Project 30x 0.00016; 1000 Genomes Project 0.00020.

Submission:

Ambry Genetics
Classification: Uncertain significance for Inborn genetic diseases. Last evaluated: 2021-01-06. Review status: criteria provided, single submitter. Criteria: Ambry Variant Classification Scheme 2023. Collection method: clinical testing. Allele origin: germline.
Comment: The c.4975A>G (p.S1659G) alteration is located in exon 7 (coding exon 7) of the WDR81 gene. This alteration results from a A to G substitution at nucleotide position 4975, causing the serine (S) at amino acid position 1659 to be replaced by a glycine (G). The p.S1659G alteration is predicted to be tolerated by in silico analysis. Based on insufficient or conflicting evidence, the clinical significance of this alteration remains unclear.